The following is an entry in ClinVar:

ClinVar aggregate classification (germline): Pathogenic. Review status: criteria provided, multiple submitters, no conflicts (2 of 4 stars). 2 submissions from 2 submitters: Pathogenic (2). Last evaluated 2024-11-27.

Conditions:
Early-infantile DEE. Also called: Early infantile epileptic encephalopathy; Ohtahara syndrome; Early infantile epileptic encephalopathy with suppression bursts. Identifiers: Orphanet 1934, MedGen C0393706, MONDO:0800491.
Severe myoclonic epilepsy in infancy (DRVT). Also called: Epileptic encephalopathy, early infantile, 6 (Dravet syndrome); SEVERE MYOCLONIC EPILEPSY OF INFANCY; DEVELOPMENTAL AND EPILEPTIC ENCEPHALOPATHY 6A; Severe Myoclonic Epilepsy in Infancy (SMEI); Dravet syndrome. Identifiers: Orphanet 33069, MedGen C0751122, MONDO:0100135, OMIM 607208.

Submissions (2):

Labcorp Genetics (formerly Invitae), Labcorp
Classification: Pathogenic for Early-infantile DEE. Last evaluated: 2024-11-27. Review status: criteria provided, single submitter. Criteria: Invitae Variant Classification Sherloc (09022015). Collection method: clinical testing. Allele origin: germline.
Comment: This sequence change creates a premature translational stop signal (p.Glu1147*) in the SCN1A gene. It is expected to result in an absent or disrupted protein product. Loss-of-function variants in SCN1A are known to be pathogenic (PMID: 17347258, 18930999). This variant is not present in population databases (gnomAD no frequency). This premature translational stop signal has been observed in individual(s) with autosomal dominant SCN1A-related conditions (PMID: 27465585). ClinVar contains an entry for this variant (Variation ID: 189889). For these reasons, this variant has been classified as Pathogenic.

Center for Bioinformatics, Peking University
Classification: Pathogenic for Dravet syndrome. Last evaluated: 2014-12-20. Review status: criteria provided, single submitter. Criteria: Xu et al. (Hum Mutat. 2015). Collection method: research. Allele origin: de novo. Affected: yes. Observed: 1 variant allele. Study: University Clinical Cooperation “985 Project” PKU-2014-1-1.
Comment: Dravet syndrome (DS) probands were recruited from the outpatient and inpatient child neurology units of Peking University First Hospital from 2005 till present. The study was approved by the Ethics Committee of Peking University First Hospital and the Institutional Review Board at Peking University. Participants or their parents provided written informed consent before enrollment. We collected a total of 267 mutations from 255 families with probands diagnosed with DS in China. All probands fulfilled the clinical diagnostic criteria.

Literature cited by the submitters: PubMed 17347258 (cited by Labcorp Genetics (formerly Invitae), Labcorp); PubMed 18930999 (cited by Labcorp Genetics (formerly Invitae), Labcorp); PubMed 27465585 (cited by Labcorp Genetics (formerly Invitae), Labcorp).

NM_001165963.4(SCN1A):c.3439G>T (p.Glu1147Ter)

Genes: SCN1A (sodium voltage-gated channel alpha subunit 1; minus strand), LOC102724058 (uncharacterized LOC102724058; plus strand). Cytogenetic location: 2q24.3.
Variant type: single nucleotide variant.
Coding change: c.3439G>T on transcript NM_001165963.4 (MANE Select); coding-DNA position 3439, G replaced by T.
Protein change: p.Glu1147Ter; replaces glutamic acid 1147 with a stop codon.
Molecular consequence: nonsense. On other transcripts: non-coding transcript variant (2).
Genome position (GRCh38, 1-based): chr2:166,015,718, C>A on the plus strand (G>T on the coding strand, the complement: SCN1A is on the minus strand). VCF-style: chr2-166015718-C-A. GRCh37 (hg19) VCF-style: chr2-166872228-C-A.
Other names: c.3355G>T, p.Glu1119Ter (NM_001165964.3, NM_001353957.2, NM_001353958.2); c.3439G>T, p.Glu1147Ter (NM_001202435.3, NM_001353948.2); c.3406G>T, p.Glu1136Ter (NM_001353949.2, NM_001353950.2, NM_001353951.2 and 2 more transcripts); c.3403G>T, p.Glu1135Ter (NM_001353954.2, NM_001353955.2); c.3352G>T, p.Glu1118Ter (NM_001353960.2); c.997G>T, p.Glu333Ter (NM_001353961.2); short protein forms E1136*, E1147*, E1135*, E333*, E1119*, E1118*.
Identifiers: ClinVar variation 189889 (VCV000189889.3), dbSNP rs794726733, ClinGen allele CA303218.